The following is an entry in ClinVar:

ClinVar aggregate classification (germline): Uncertain significance (1 of 4 stars; one submission).

Conditions:
X-linked immunodeficiency with magnesium defect, Epstein-Barr virus infection and neoplasia. Identifiers: Orphanet 317476, MedGen C3275445, MONDO:0010455, OMIM 300853.

Submission:

Labcorp Genetics (formerly Invitae), Labcorp
Classification: Uncertain significance for X-linked immunodeficiency with magnesium defect, Epstein-Barr virus infection and neoplasia. Last evaluated: 2023-10-16. Review status: criteria provided, single submitter. Criteria: Invitae Variant Classification Sherloc (09022015). Collection method: clinical testing. Allele origin: germline.
Comment: This sequence change replaces aspartic acid, which is acidic and polar, with valine, which is neutral and non-polar, at codon 327 of the MAGT1 protein (p.Asp327Val). This variant is not present in population databases (gnomAD no frequency). This variant has not been reported in the literature in individuals affected with MAGT1-related conditions. ClinVar contains an entry for this variant (Variation ID: 2007954). Advanced modeling of protein sequence and biophysical properties (such as structural, functional, and spatial information, amino acid conservation, physicochemical variation, residue mobility, and thermodynamic stability) has been performed at Invitae for this missense variant, however the output from this modeling did not meet the statistical confidence thresholds required to predict the impact of this variant on MAGT1 protein function. Algorithms developed to predict the effect of sequence changes on RNA splicing suggest that this variant may disrupt the consensus splice site. In summary, the available evidence is currently insufficient to determine the role of this variant in disease. Therefore, it has been classified as a Variant of Uncertain Significance.

NM_001367916.1(MAGT1):c.884A>T (p.Asp295Val)

Gene: MAGT1 (magnesium transporter 1; minus strand). Cytogenetic location: Xq21.1.
Variant type: single nucleotide variant.
Coding change: c.884A>T on transcript NM_001367916.1 (MANE Select); coding-DNA position 884, A replaced by T.
Protein change: p.Asp295Val; replaces aspartic acid 295 with valine.
Molecular consequence: missense variant.
Genome position (GRCh38, 1-based): chrX:77,841,263, T>A on the plus strand (A>T on the coding strand, the complement: MAGT1 is on the minus strand). VCF-style: chrX-77841263-T-A. GRCh37 (hg19) VCF-style: chrX-77096760-T-A.
Other names: c.980A>T, p.Asp327Val (NM_032121.5); short protein forms D327V, D295V.
Identifiers: ClinVar variation 2007954 (VCV002007954.4), dbSNP rs2521970655, ClinGen allele CA413711477.